The following is an entry in ClinVar:

ClinVar aggregate classification (germline): Uncertain significance (1 of 4 stars; one submission).

Conditions:
Neutral lipid storage myopathy (NLSDM). Also called: NEUTRAL LIPID STORAGE DISEASE WITHOUT ICHTHYOSIS. Identifiers: Orphanet 98908, MedGen C1853136, MONDO:0012545, OMIM 610717.

Allele frequency attached by ClinVar (database versions not stated): gnomAD exomes 0.00001; ExAC 0.00002; 1000 Genomes Project 0.00020; 1000 Genomes Project 30x 0.00031.

Submission:

Labcorp Genetics (formerly Invitae), Labcorp
Classification: Uncertain significance for Neutral lipid storage myopathy. Last evaluated: 2017-10-06. Review status: criteria provided, single submitter. Criteria: Invitae Variant Classification Sherloc (09022015). Collection method: clinical testing. Allele origin: germline.
Comment: This sequence change replaces proline with serine at codon 86 of the PNPLA2 protein (p.Pro86Ser). The proline residue is highly conserved and there is a moderate physicochemical difference between proline and serine. This variant is present in population databases (rs530863669, ExAC 0.003%). This variant has not been reported in the literature in individuals with PNPLA2-related disease. Algorithms developed to predict the effect of missense changes on protein structure and function (SIFT, PolyPhen-2, Align-GVGD) all suggest that this variant is likely to be disruptive, but these predictions have not been confirmed by published functional studies and their clinical significance is uncertain. In summary, the available evidence is currently insufficient to determine the role of this variant in disease. Therefore, it has been classified as a Variant of Uncertain Significance.

NM_020376.4(PNPLA2):c.256C>T (p.Pro86Ser)

Gene: PNPLA2 (patatin like domain 2, triacylglycerol lipase; plus strand). Cytogenetic location: 11p15.5.
Variant type: single nucleotide variant.
Coding change: c.256C>T on transcript NM_020376.4 (MANE Select); coding-DNA position 256, C replaced by T.
Protein change: p.Pro86Ser; replaces proline 86 with serine.
Molecular consequence: missense variant.
Genome position (GRCh38, 1-based): chr11:821,696, C>T. VCF-style: chr11-821696-C-T. GRCh37 (hg19) VCF-style: chr11-821696-C-T.
Other names: short protein forms P86S.
Identifiers: ClinVar variation 534192 (VCV000534192.9), dbSNP rs530863669, ClinGen allele CA5790931.